The following is an entry in ClinVar:

NM_001379200.1(TBX1):c.361G>A (p.Val121Met)

Gene: TBX1 (T-box transcription factor 1; plus strand). Cytogenetic location: 22q11.21.
Variant type: single nucleotide variant.
Coding change: c.361G>A on transcript NM_001379200.1 (MANE Select); coding-DNA position 361, G replaced by A.
Protein change: p.Val121Met; replaces valine 121 with methionine.
Molecular consequence: missense variant.
Genome position (GRCh38, 1-based): chr22:19,761,204, G>A. VCF-style: chr22-19761204-G-A. GRCh37 (hg19) VCF-style: chr22-19748727-G-A.
Other names: c.334G>A, p.Val112Met (NM_005992.1, NM_080646.2, NM_080647.1); short protein forms V112M, V121M.
Identifiers: ClinVar variation 1730502 (VCV001730502.3), dbSNP rs769434775, ClinGen allele CA10102404.

ClinVar aggregate classification (germline): Uncertain significance (1 of 4 stars; one submission).

Conditions:
Cardiovascular phenotype. Identifiers: MedGen CN230736.

Allele frequency attached by ClinVar (database versions not stated): ExAC 0.00001.
gnomAD v4.1: 4 of 1,563,968 alleles (0.00026%); highest among the groups gnomAD compares: African/African-American, 0.0014%; no homozygotes.

Submission:

Ambry Genetics
Classification: Uncertain significance for Cardiovascular phenotype. Last evaluated: 2025-05-05. Review status: criteria provided, single submitter. Criteria: Ambry Variant Classification Scheme 2023. Collection method: clinical testing. Allele origin: germline.
Comment: The p.V112M variant (also known as c.334G>A), located in coding exon 2 of the TBX1 gene, results from a G to A substitution at nucleotide position 334. The valine at codon 112 is replaced by methionine, an amino acid with highly similar properties. This amino acid position is conserved. In addition, this alteration is predicted to be deleterious by in silico analysis. Since supporting evidence is limited at this time, the clinical significance of this alteration remains unclear.